The following is an entry in ClinVar:

NM_005173.4(ATP2A3):c.1419+10G>A

Gene: ATP2A3 (ATPase sarcoplasmic/endoplasmic reticulum Ca2+ transporting 3; minus strand). Cytogenetic location: 17p13.2.
Variant type: single nucleotide variant.
Coding change: c.1419+10G>A on transcript NM_005173.4 (MANE Select); 10 bases into the intron after coding-DNA position 1419, G replaced by A.
Molecular consequence: intron variant.
Genome position (GRCh38, 1-based): chr17:3,943,381, C>T on the plus strand (G>A on the coding strand, the complement: ATP2A3 is on the minus strand). VCF-style: chr17-3943381-C-T. GRCh37 (hg19) VCF-style: chr17-3846675-C-T.
Other names: c.1419+10G>A (NM_174957.3, NM_174955.3, NM_174954.3 and 3 more transcripts).
Identifiers: ClinVar variation 3060504 (VCV003060504.2), dbSNP rs71366582, ClinGen allele CA8297218.

ClinVar aggregate classification (germline): Benign (0 of 4 stars; one submission).

Conditions:
ATP2A3-related disorder. Also called: ATP2A3-related condition.

Allele frequency attached by ClinVar (database versions not stated): 1000 Genomes Project 0.15395; 1000 Genomes Project 30x 0.15428; gnomAD 0.17494; TOPMed 0.18135; ExAC 0.18722; gnomAD exomes 0.18896; ESP Exome Variant Server 0.19260.
gnomAD v4.1: 303,194 of 1,613,368 alleles (19%); highest among the groups gnomAD compares: Middle Eastern, 28%; 29,687 homozygotes.

Submission:

PreventionGenetics, part of Exact Sciences
Classification: Benign for ATP2A3-related condition. Last evaluated: 2019-10-28. Review status: no assertion criteria provided. Collection method: clinical testing. Allele origin: germline.
Comment: This variant is classified as benign based on ACMG/AMP sequence variant interpretation guidelines (Richards et al. 2015 PMID: 25741868, with internal and published modifications).